The following is an entry in ClinVar:

NM_000093.5(COL5A1):c.3410dup (p.Pro1139fs)

Gene: COL5A1 (collagen type V alpha 1 chain; plus strand). Cytogenetic location: 9q34.3.
Variant type: Duplication.
Coding change: c.3410dup on transcript NM_000093.5 (MANE Select); coding-DNA position 3410, one base duplicated (A; older notation c.3410dupA).
Protein change: p.Pro1139fs; shifts the reading frame from proline 1139.
Molecular consequence: frameshift variant.
Genome position (GRCh38, 1-based): chr9:134,809,226, A duplicated. VCF-style (leftmost placement, unchanged base first): chr9-134809225-C-CA. GRCh37 (hg19) VCF-style: chr9-137701071-C-CA.
Other names: c.3410dup, p.Pro1139fs (NM_001278074.1); short protein forms P1139fs.
Identifiers: ClinVar variation 3725945 (VCV003725945.2).

ClinVar aggregate classification (germline): Pathogenic (1 of 4 stars; one submission).

Conditions:
Ehlers-Danlos syndrome, classic type, 1 (EDSCL1). Also called: EHLERS-DANLOS SYNDROME, GRAVIS TYPE; EHLERS-DANLOS SYNDROME, SEVERE CLASSIC TYPE; Ehlers-Danlos syndrome, type 1; Ehlers-Danlos Syndrome, Classic Type, COL5A1-Related; EDS I. Identifiers: MedGen C0268335, MONDO:0019567, OMIM 130000.

Submission:

Labcorp Genetics (formerly Invitae), Labcorp
Classification: Pathogenic for Ehlers-Danlos syndrome, classic type, 1. Last evaluated: 2024-11-24. Review status: criteria provided, single submitter. Criteria: Invitae Variant Classification Sherloc (09022015). Collection method: clinical testing. Allele origin: germline.
Comment: This sequence change creates a premature translational stop signal (p.Pro1139Alafs*20) in the COL5A1 gene. It is expected to result in an absent or disrupted protein product. Loss-of-function variants in COL5A1 are known to be pathogenic (PMID: 23587214). This variant is not present in population databases (gnomAD no frequency). This variant has not been reported in the literature in individuals affected with COL5A1-related conditions. For these reasons, this variant has been classified as Pathogenic.

Literature cited by the submitters: PubMed 23587214.